The following is an entry in ClinVar:

NM_175914.5(HNF4A):c.152dup (p.Ala52fs)

Gene: HNF4A (hepatocyte nuclear factor 4 alpha; plus strand). Cytogenetic location: 20q13.12.
Variant type: Duplication.
Coding change: c.152dup on transcript NM_175914.5 (MANE Select); coding-DNA position 152, one base duplicated (G; older notation c.152dupG).
Protein change: p.Ala52fs; shifts the reading frame from alanine 52.
Molecular consequence: frameshift variant.
Genome position (GRCh38, 1-based): chr20:44,406,160, G duplicated; the last of 2 consecutive G bases (chr20:44,406,159-44,406,160); duplicating either gives the same sequence. VCF-style (leftmost placement, unchanged base first): chr20-44406158-C-CG. GRCh37 (hg19) VCF-style: chr20-43034798-C-CG.
Other names: NM_175914.5:c.152dup; c.218dup, p.Ala74fs (NM_000457.6, NM_178849.3, NM_178850.3); c.152dup, p.Ala52fs (NM_001030003.3, NM_001030004.3); c.197dup, p.Ala67fs (NM_001258355.2); c.143dup, p.Ala49fs (NM_001287182.2, NM_001287183.2, NM_001287184.2); short protein forms A49fs, A52fs, A67fs, A74fs.
Identifiers: ClinVar variation 3358878 (VCV003358878.1).

ClinVar aggregate classification (germline): Pathogenic (3 of 4 stars; one submission).

Conditions:
Monogenic diabetes. Identifiers: Orphanet 183625, MedGen C3888631, MONDO:0015967.

Submission:

ClinGen Monogenic Diabetes Variant Curation Expert Panel
Classification: Pathogenic for Monogenic diabetes. Last evaluated: 2024-09-18. Review status: reviewed by expert panel. Criteria: ClinGen Diabetes ACMG Specifications HNF4A V2.0.0. Collection method: curation. Allele origin: germline. Inheritance: Autosomal dominant inheritance.
Comment: The c.152dup variant in the hepatocyte nuclear factor 4 alpha gene, HNF4A, , causes a frameshift in the protein at codon 52 in transcript NM_175914.5, adding 5 novel amino acids before encountering a stop codon (p.(Ala52CysfsTer5)). This variant is absent from gnomAD v2.1.1 (PM2_Supporting). This variant, located in biologically-relevant exon 2 of 10, is predicted to lead to nonsense mediated decay in a gene in which loss-of-function is an established disease mechanism (PVS1; PMID: 23348805 ). This variant was identified in an individual with a clinical history highly specific for HNF4A-monogenic diabetes (MODY probability calculator result >50%, negative genetic testing for HNF1A, and neonatal hypoglycemia that is responsive to diazoxide) (PP4_Moderate; PMID: 19566570). This variant segregated with diabetes with 6 meioses in one family (PP1_Strong; PMID: 19566570, internal lab contributors). In summary, c.152dup meets the criteria to be classified as pathogenic for monogenic diabetes. ACMG/AMP criteria applied, as specified by the ClinGen MDEP VCEP (specification version 2.0.0, approved 10/11/2023): PVS1, PM2_Supporting, PP4_Moderate, PP1_Strong.